The following is an entry in ClinVar:

NM_000138.5(FBN1):c.4585A>G (p.Thr1529Ala)

Gene: FBN1 (fibrillin 1; minus strand). Cytogenetic location: 15q21.1.
Variant type: single nucleotide variant.
Coding change: c.4585A>G on transcript NM_000138.5 (MANE Select); coding-DNA position 4585, A replaced by G.
Protein change: p.Thr1529Ala; replaces threonine 1529 with alanine.
Molecular consequence: missense variant.
Genome position (GRCh38, 1-based): chr15:48,468,100, T>C on the plus strand (A>G on the coding strand, the complement: FBN1 is on the minus strand). VCF-style: chr15-48468100-T-C. GRCh37 (hg19) VCF-style: chr15-48760297-T-C.
Other names: c.4585A>G, p.Thr1529Ala (NM_001406716.1); short protein forms T1529A.
Identifiers: ClinVar variation 2005098 (VCV002005098.4), dbSNP rs2505502088, ClinGen allele CA392353183.

ClinVar aggregate classification (germline): Uncertain significance (1 of 4 stars; one submission).

Conditions:
Familial thoracic aortic aneurysm and aortic dissection (TAAD). Also called: Thoracic aortic aneurysms and dissections. Identifiers: Orphanet 91387, MedGen C4707243, MONDO:0019625.
Marfan syndrome (MFS). Also called: MARFAN SYNDROME, TYPE I; Marfan syndrome type 1; Marfan's syndrome; Marfan syndrome, classic; FBN1-Related Marfan Syndrome. Identifiers: Orphanet 284963, Orphanet 558, MedGen C0024796, MONDO:0007947, OMIM 154700.

Submission:

Labcorp Genetics (formerly Invitae), Labcorp
Classification: Uncertain significance for Marfan syndrome; Familial thoracic aortic aneurysm and aortic dissection. Last evaluated: 2022-06-27. Review status: criteria provided, single submitter. Criteria: Invitae Variant Classification Sherloc (09022015). Collection method: clinical testing. Allele origin: germline.
Comment: Algorithms developed to predict the effect of missense changes on protein structure and function are either unavailable or do not agree on the potential impact of this missense change (SIFT: "Deleterious"; PolyPhen-2: "Benign"; Align-GVGD: "Class C0"). In summary, the available evidence is currently insufficient to determine the role of this variant in disease. Therefore, it has been classified as a Variant of Uncertain Significance. This variant has not been reported in the literature in individuals affected with FBN1-related conditions. This sequence change replaces threonine, which is neutral and polar, with alanine, which is neutral and non-polar, at codon 1529 of the FBN1 protein (p.Thr1529Ala). This variant is not present in population databases (gnomAD no frequency).